The following is an entry in ClinVar:

ClinVar aggregate classification (germline): Likely pathogenic (1 of 4 stars; one submission).

Submission:

GeneDx
Classification: Likely pathogenic. Last evaluated: 2024-06-03. Review status: criteria provided, single submitter. Criteria: GeneDx Variant Classification Process June 2021. Collection method: clinical testing. Allele origin: germline. Affected: yes.
Comment: Not observed at significant frequency in large population cohorts (gnomAD); In silico analysis supports that this missense variant has a deleterious effect on protein structure/function; Has not been previously published as pathogenic or benign to our knowledge

NM_001257180.2(SLC20A2):c.1756T>C (p.Ser586Pro)

Gene: SLC20A2 (solute carrier family 20 member 2; minus strand). Cytogenetic location: 8p11.21.
Variant type: single nucleotide variant.
Coding change: c.1756T>C on transcript NM_001257180.2 (MANE Select); coding-DNA position 1756, T replaced by C.
Protein change: p.Ser586Pro; replaces serine 586 with proline.
Molecular consequence: missense variant.
Genome position (GRCh38, 1-based): chr8:42,428,796, A>G on the plus strand (T>C on the coding strand, the complement: SLC20A2 is on the minus strand). VCF-style: chr8-42428796-A-G. GRCh37 (hg19) VCF-style: chr8-42286314-A-G.
Other names: c.1756T>C, p.Ser586Pro (NM_001257181.2, NM_006749.5); short protein forms S586P.
Identifiers: ClinVar variation 3384360 (VCV003384360.1).